The following is an entry in ClinVar:

ClinVar aggregate classification (germline): Uncertain significance (1 of 4 stars; one submission).

Conditions:
Hereditary cancer-predisposing syndrome. Also called: Neoplastic Syndromes, Hereditary; Tumor predisposition; Hereditary Cancer Syndrome; Hereditary neoplastic syndrome. Identifiers: Orphanet 140162, MedGen C0027672, MeSH D009386, MONDO:0015356.

Submission:

Ambry Genetics
Classification: Uncertain significance for Hereditary cancer-predisposing syndrome. Last evaluated: 2025-10-09. Review status: criteria provided, single submitter. Criteria: Ambry Variant Classification Scheme 2023. Collection method: clinical testing. Allele origin: germline.
Comment: The p.F220L variant (also known as c.658T>C), located in coding exon 6 of the FANCC gene, results from a T to C substitution at nucleotide position 658. The phenylalanine at codon 220 is replaced by leucine, an amino acid with highly similar properties. This amino acid position is conserved. In addition, this alteration is predicted to be tolerated by in silico analysis. Based on the available evidence, the clinical significance of this variant remains unclear.

NM_000136.3(FANCC):c.658T>C (p.Phe220Leu)

Genes: AOPEP (aminopeptidase O (putative); plus strand), FANCC (FA complementation group C; minus strand). Cytogenetic location: 9q22.32.
Variant type: single nucleotide variant.
Coding change: c.658T>C on transcript NM_000136.3 (MANE Select); coding-DNA position 658, T replaced by C.
Protein change: p.Phe220Leu; replaces phenylalanine 220 with leucine.
Molecular consequence: missense variant.
Genome position (GRCh38, 1-based): chr9:95,149,951, A>G on the plus strand (T>C on the coding strand, the complement: FANCC is on the minus strand). VCF-style: chr9-95149951-A-G. GRCh37 (hg19) VCF-style: chr9-97912233-A-G.
Other names: c.658T>C, p.Phe220Leu (NM_001243743.2, NM_001243744.2); short protein forms F220L.
Identifiers: ClinVar variation 4640807 (VCV004640807.1).
Genomic context (GRCh38, chr9:95,149,951, plus strand): 5'-ACGCAGGATGACAGGAAACATTTGCCACTTACAGCAAAATGGCCTCGTTTACAGCCTCAA[A>G]GAACTCTGGCTGGAGGATTTCCTGAGGTTCACGTCCATGACAGATGAGGAGAGCCTCCAC-3'
Protein context (NP_000127.2, residues 210-230): EPQEILQPEF[Phe220Leu]EAVNEAILLK